The following continues an entry in ClinVar:

NM_001267550.2(TTN):c.45328G>A (p.Asp15110Asn)

ClinVar aggregate classification (germline): Conflicting classifications of pathogenicity. Uncertain significance (2); Benign (13); Likely benign (4).

Submissions 17 to 25 of 25:

Laboratory for Molecular Medicine, Mass General Brigham Personalized Medicine
Classification: Benign. Last evaluated: 2015-03-04. Review status: criteria provided, single submitter. Criteria: LMM Criteria. Collection method: clinical testing. Allele origin: germline. Observed: 30 variant alleles.
Comment: p.Asp12542Asn in exon 194 of TTN: This variant is not expected to have clinical significance because it has been identified in 3.1% (203/6564) of Finnish chromo somes by the Exome Aggregation Consortium (ExAC; dbSNP rs17354992).

Ambry Genetics
Classification: Benign for Cardiovascular phenotype. Last evaluated: 2013-07-31. Review status: criteria provided, single submitter. Criteria: Ambry Autosomal Dominant and X-Linked criteria (10/2015). Collection method: clinical testing. Allele origin: germline. Observed: 1 variant allele.

Biesecker Lab/Clinical Genomics Section, National Institutes of Health
Classification: Benign. Last evaluated: 2013-06-24. Review status: criteria provided, single submitter. Criteria: Ng et al. (Circ Cardiovasc Genet. 2013). Collection method: research. Allele origin: unknown. Observed: 8 variant alleles. Study: ClinSeq.
Comment: The study set was not selected for affection status in relation to any cancer. Pathogenicity categories were based on literature curation. See Pubmed ID:23861362 for details.

Medical sequencing

Clinical Genetics DNA and cytogenetics Diagnostics Lab, Erasmus MC, Erasmus Medical Center
Classification: Benign. Review status: no assertion criteria provided. Collection method: clinical testing. Allele origin: germline. Affected: yes. Study: VKGL Data-share Consensus. Not counted in ClinVar's aggregate classification.

Clinical Genetics, Academic Medical Center
Classification: Benign. Review status: no assertion criteria provided. Collection method: clinical testing. Allele origin: germline. Affected: yes. Study: VKGL Data-share Consensus. Not counted in ClinVar's aggregate classification.

Diagnostic Laboratory, Department of Genetics, University Medical Center Groningen
Classification: Likely benign. Review status: no assertion criteria provided. Collection method: clinical testing. Allele origin: germline. Affected: yes. Study: VKGL Data-share Consensus. Not counted in ClinVar's aggregate classification.

Genome Diagnostics Laboratory, University Medical Center Utrecht
Classification: Benign. Review status: no assertion criteria provided. Collection method: clinical testing. Allele origin: germline. Affected: yes. Study: VKGL Data-share Consensus. Not counted in ClinVar's aggregate classification.

Joint Genome Diagnostic Labs from Nijmegen and Maastricht, Radboudumc and MUMC+
Classification: Benign. Review status: no assertion criteria provided. Collection method: clinical testing. Allele origin: germline. Affected: yes. Study: VKGL Data-share Consensus. Not counted in ClinVar's aggregate classification.

Laboratory of Diagnostic Genome Analysis, Leiden University Medical Center (LUMC)
Classification: Likely benign. Review status: no assertion criteria provided. Collection method: clinical testing. Allele origin: germline. Affected: yes. Study: VKGL Data-share Consensus. Not counted in ClinVar's aggregate classification.

Literature cited by the submitters: PubMed 27159402 (cited by Mayo Clinic Laboratories, Mayo Clinic); PubMed 24503780 (cited by Women's Health and Genetics/Laboratory Corporation of America, LabCorp).